The following is an entry in ClinVar:

NM_003919.3(SGCE):c.825+1G>T

Genes: CASD1 (CAS1 domain sialic acid O acetyltransferase 1; plus strand), SGCE (sarcoglycan epsilon; minus strand). Cytogenetic location: 7q21.3.
Variant type: single nucleotide variant.
Coding change: c.825+1G>T on transcript NM_003919.3 (MANE Select); the canonical splice donor site of the intron after coding-DNA position 825, G replaced by T.
Molecular consequence: splice donor variant.
Genome position (GRCh38, 1-based): chr7:94,603,289, C>A on the plus strand (G>T on the coding strand, the complement: SGCE is on the minus strand). VCF-style: chr7-94603289-C-A. GRCh37 (hg19) VCF-style: chr7-94232601-C-A.
Other names: c.702+1G>T (NM_001362809.2, NM_001301139.2); c.825+1G>T (NM_001346717.2, NM_001099400.2, NM_001099401.2); c.933+1G>T (NM_001346715.2, NM_001346713.2); c.738+1G>T (NM_001362807.2, NM_001346719.2); c.552+1G>T (NM_001362808.2, NM_001346720.2).
Identifiers: ClinVar variation 2034998 (VCV002034998.5), dbSNP rs2116722242, ClinGen allele CA368231695.

ClinVar aggregate classification (germline): Pathogenic/Likely pathogenic. Review status: criteria provided, multiple submitters, no conflicts (2 of 4 stars). 2 submissions from 2 submitters: Pathogenic (1); Likely pathogenic (1). Last evaluated 2024-02-29.

Conditions:
Myoclonic dystonia 11 (DYT11). Also called: Myoclonic dystonia; Dystonia 11; Dystonia, alcohol responsive; Hereditary essential myoclonus; SGCE Myoclonus-Dystonia; DYT-SGCE. Identifiers: Orphanet 36899, MedGen C1834570, MONDO:0008044, OMIM 159900.
SGCE-related disorder. Also called: SGCE-related condition.

Submissions (2):

Blueprint Genetics
Classification: Likely pathogenic for SGCE-related disorders. Last evaluated: 2024-02-29. Review status: criteria provided, single submitter. Criteria: ACMG Guidelines, 2015. Collection method: clinical testing. Allele origin: germline. Affected: yes. Observed: 1 variant allele.

Labcorp Genetics (formerly Invitae), Labcorp
Classification: Pathogenic for Myoclonic dystonia 11. Last evaluated: 2022-10-10. Review status: criteria provided, single submitter. Criteria: Invitae Variant Classification Sherloc (09022015). Collection method: clinical testing. Allele origin: germline.
Comment: Algorithms developed to predict the effect of sequence changes on RNA splicing suggest that this variant may disrupt the consensus splice site. Disruption of this splice site has been observed in individuals with myoclonus dystonia (PMID: 11528394; Invitae). This variant is not present in population databases (gnomAD no frequency). This sequence change affects a donor splice site in intron 6 of the SGCE gene. It is expected to disrupt RNA splicing. Variants that disrupt the donor or acceptor splice site typically lead to a loss of protein function (PMID: 16199547), and loss-of-function variants in SGCE are known to be pathogenic (PMID: 12821748, 15389977, 17853490, 24297365). For these reasons, this variant has been classified as Pathogenic.

Literature cited by the submitters: PubMed 11528394 (cited by Labcorp Genetics (formerly Invitae), Labcorp); PubMed 16199547 (cited by Labcorp Genetics (formerly Invitae), Labcorp); PubMed 12821748 (cited by Labcorp Genetics (formerly Invitae), Labcorp); PubMed 15389977 (cited by Labcorp Genetics (formerly Invitae), Labcorp); PubMed 17853490 (cited by Labcorp Genetics (formerly Invitae), Labcorp); PubMed 24297365 (cited by Labcorp Genetics (formerly Invitae), Labcorp).